The following is an entry in ClinVar:

NM_032790.4(ORAI1):c.91_93CGC[4] (p.Arg33_Ser34insArg)

Genes: ORAI1 (ORAI calcium release-activated calcium modulator 1; plus strand), LOC130008987 (ATAC-STARR-seq lymphoblastoid silent region 4981; plus strand). Cytogenetic location: 12q24.31.
Variant type: Microsatellite.
Coding change: c.91_93CGC[4] on transcript NM_032790.4 (MANE Select).
Protein change: p.Arg33_Ser34insArg.
Molecular consequence: inframe insertion (on NM_032790.3).
Genome position: GRCh38 VCF-style: chr12-121626830-A-AGCC. GRCh37 (hg19) VCF-style: chr12-122064735-A-AGCC.
Other names: c.97_99dup (NM_032790.3).
Identifiers: ClinVar variation 957405 (VCV000957405.10), dbSNP rs782013212, ClinGen allele CA6837405.

ClinVar aggregate classification (germline): Uncertain significance (1 of 4 stars; one submission).

Conditions:
Myopathy, tubular aggregate, 2 (TAM2). Identifiers: MedGen C4014557, MONDO:0014383, OMIM 615883.
Combined immunodeficiency due to ORAI1 deficiency. Also called: IMMUNODEFICIENCY 9. Identifiers: Orphanet 169090, Orphanet 317428, MedGen C2748568, MONDO:0013007, OMIM 612782.

Submission:

Labcorp Genetics (formerly Invitae), Labcorp
Classification: Uncertain significance for Myopathy, tubular aggregate, 2; Combined immunodeficiency due to ORAI1 deficiency. Last evaluated: 2026-01-19. Review status: criteria provided, single submitter. Criteria: Invitae Variant Classification Sherloc (09022015). Collection method: clinical testing. Allele origin: germline.
Comment: This variant, c.97_99dup, results in the insertion of 1 amino acid(s) of the ORAI1 protein (p.Arg33dup), but otherwise preserves the integrity of the reading frame. This variant is present in population databases (rs782013212, gnomAD 0.2%). This variant has not been reported in the literature in individuals affected with ORAI1-related conditions. ClinVar contains an entry for this variant (Variation ID: 957405). Experimental studies and prediction algorithms are not available or were not evaluated, and the functional significance of this variant is currently unknown. In summary, the available evidence is currently insufficient to determine the role of this variant in disease. Therefore, it has been classified as a Variant of Uncertain Significance.